The following is an entry in ClinVar:

NM_000551.4(VHL):c.364dup (p.Ala122fs)

Genes: VHL (von Hippel-Lindau tumor suppressor; plus strand), LOC107303340 (3p25 von Hippel-Lindau tumor suppressor, E3 ubiquitin protein ligase Alu-mediated recombination region; plus strand). Cytogenetic location: 3p25.3.
Variant type: Duplication.
Coding change: c.364dup on transcript NM_000551.4 (MANE Select); coding-DNA position 364, one base duplicated (G; older notation c.364dupG).
Protein change: p.Ala122fs; shifts the reading frame from alanine 122.
Molecular consequence: frameshift variant. On other transcripts: non-coding transcript variant (1), intron variant (2).
Genome position (GRCh38, 1-based): chr3:10,146,537, G duplicated. VCF-style (leftmost placement, unchanged base first): chr3-10146536-T-TG. GRCh37 (hg19) VCF-style: chr3-10188220-T-TG.
Other names: c.*18-3250dup (NM_001354723.2); c.341-3250dup (NM_198156.3); c.364dupG (NM_000551.3); short protein forms A122fs.
Identifiers: ClinVar variation 3468025 (VCV003468025.1).

ClinVar aggregate classification (germline): Pathogenic (1 of 4 stars; one submission).

Conditions:
Hereditary cancer-predisposing syndrome. Also called: Tumor predisposition; Neoplastic Syndromes, Hereditary; Hereditary neoplastic syndrome; Hereditary Cancer Syndrome. Identifiers: Orphanet 140162, MedGen C0027672, MeSH D009386, MONDO:0015356.

Submission:

Ambry Genetics
Classification: Pathogenic for Hereditary cancer-predisposing syndrome. Last evaluated: 2024-07-29. Review status: criteria provided, single submitter. Criteria: Ambry Variant Classification Scheme 2023. Collection method: clinical testing. Allele origin: germline.
Comment: The c.364dupG pathogenic mutation, located in coding exon 2 of the VHL gene, results from a duplication of G at nucleotide position 364, causing a translational frameshift with a predicted alternate stop codon (p.A122Gfs*10). This variant has been observed in at least one individual with a personal and family history that is consistent with von Hippel-Lindau syndrome (Ambry internal data). This variant is considered to be rare based on population cohorts in the Genome Aggregation Database (gnomAD). In addition to the clinical data presented in the literature, this alteration is expected to result in loss of function by premature protein truncation or nonsense-mediated mRNA decay. As such, this alteration is interpreted as a disease-causing mutation.